The following is an entry in ClinVar:

ClinVar aggregate classification (germline): Uncertain significance. Review status: criteria provided, multiple submitters, no conflicts (2 of 4 stars). 2 submissions from 2 submitters: Uncertain significance (2). Last evaluated 2025-07-13.

Conditions:
TECTA-related disorder. Also called: TECTA-related condition.

gnomAD v4.1: 2 of 1,614,068 alleles (0.00012%); highest among the groups gnomAD compares: Non-Finnish European, 0.00017%; no homozygotes.

Submissions (2):

PreventionGenetics, part of Exact Sciences
Classification: Uncertain significance for TECTA-related condition. Last evaluated: 2025-07-13. Review status: criteria provided, single submitter. Criteria: ACMG Guidelines, 2015. Collection method: clinical testing. Allele origin: germline.
Comment: The TECTA c.2005G>A variant is predicted to result in the amino acid substitution p.Ala669Thr. To our knowledge, this variant has not been reported in the literature or a large population database (gnomAD), indicating this variant is rare. At this time, the clinical significance of this variant is uncertain due to the absence of conclusive functional and genetic evidence.

Blueprint Genetics
Classification: Uncertain significance. Last evaluated: 2021-11-01. Review status: criteria provided, single submitter. Criteria: ACMG Guidelines, 2015. Collection method: clinical testing. Allele origin: germline.

NM_005422.4(TECTA):c.2005G>A (p.Ala669Thr)

Genes: TBCEL-TECTA (TBCEL-TECTA readthrough; plus strand), TECTA (tectorin alpha; plus strand). Cytogenetic location: 11q23.3.
Variant type: single nucleotide variant.
Coding change: c.2005G>A on transcript NM_005422.4 (MANE Select); coding-DNA position 2005, G replaced by A.
Protein change: p.Ala669Thr; replaces alanine 669 with threonine.
Molecular consequence: missense variant.
Genome position (GRCh38, 1-based): chr11:121,127,982, G>A. VCF-style: chr11-121127982-G-A. GRCh37 (hg19) VCF-style: chr11-120998691-G-A.
Other names: c.2962G>A, p.Ala988Thr (NM_001378761.1); c.2005G>A (NM_005422.2); short protein forms A988T, A669T.
Identifiers: ClinVar variation 4914593 (VCV004914593.2).